The following is an entry in ClinVar:

NM_000059.4(BRCA2):c.4889C>T (p.Ser1630Leu)

Gene: BRCA2 (BRCA2 DNA repair associated; plus strand). Cytogenetic location: 13q13.1.
Variant type: single nucleotide variant.
Coding change: c.4889C>T on transcript NM_000059.4 (MANE Select); coding-DNA position 4889, C replaced by T.
Protein change: p.Ser1630Leu; replaces serine 1630 with leucine.
Molecular consequence: missense variant.
Genome position (GRCh38, 1-based): chr13:32,339,244, C>T. VCF-style: chr13-32339244-C-T. GRCh37 (hg19) VCF-style: chr13-32913381-C-T.
Other names: short protein forms S1630L.
Identifiers: ClinVar variation 531279 (VCV000531279.14), dbSNP rs80358711, ClinGen allele CA387783518.

ClinVar aggregate classification (germline): Conflicting classifications of pathogenicity. Review status: criteria provided, conflicting classifications (1 of 4 stars). 3 submissions from 3 submitters: Uncertain significance (2); Likely benign (1). Last evaluated 2025-12-30.

Conditions:
Hereditary breast ovarian cancer syndrome. Also called: Hereditary breast and/or ovarian cancer syndrome; Hereditary breast and ovarian cancer syndrome; Hereditary breast and ovarian cancer; Hereditary breast and ovarian cancer syndrome (HBOC); Breast and ovarian cancer; BRCA1- and BRCA2-Associated Hereditary Breast and Ovarian Cancer. Identifiers: Orphanet 145, MedGen C0677776, MeSH D061325, MONDO:0003582. Disease mechanism: loss of function.
Hereditary cancer-predisposing syndrome. Also called: Tumor predisposition; Hereditary Cancer Syndrome; Neoplastic Syndromes, Hereditary; Hereditary neoplastic syndrome. Identifiers: Orphanet 140162, MedGen C0027672, MeSH D009386, MONDO:0015356.

gnomAD v4.1: 2 of 1,612,464 alleles (0.00012%); highest among the groups gnomAD compares: Non-Finnish European, 0.000085%; no homozygotes.

Submissions (3):

Ambry Genetics
Classification: Uncertain significance for Hereditary cancer-predisposing syndrome. Last evaluated: 2025-12-30. Review status: criteria provided, single submitter. Criteria: Ambry Variant Classification Scheme 2023. Collection method: clinical testing. Allele origin: germline.

Labcorp Genetics (formerly Invitae), Labcorp
Classification: Uncertain significance for Hereditary breast ovarian cancer syndrome. Last evaluated: 2024-09-01. Review status: criteria provided, single submitter. Criteria: Invitae Variant Classification Sherloc (09022015). Collection method: clinical testing. Allele origin: germline.
Comment: This sequence change replaces serine, which is neutral and polar, with leucine, which is neutral and non-polar, at codon 1630 of the BRCA2 protein (p.Ser1630Leu). This variant is not present in population databases (gnomAD no frequency). This variant has not been reported in the literature in individuals affected with BRCA2-related conditions. ClinVar contains an entry for this variant (Variation ID: 531279). Invitae Evidence Modeling of protein sequence and biophysical properties (such as structural, functional, and spatial information, amino acid conservation, physicochemical variation, residue mobility, and thermodynamic stability) indicates that this missense variant is not expected to disrupt BRCA2 protein function with a negative predictive value of 95%. In summary, the available evidence is currently insufficient to determine the role of this variant in disease. Therefore, it has been classified as a Variant of Uncertain Significance.

University of Washington Department of Laboratory Medicine, University of Washington
Classification: Likely benign for Hereditary cancer-predisposing syndrome. Last evaluated: 2023-03-23. Review status: criteria provided, single submitter. Criteria: Dines et al. (Genet Med. 2020). Collection method: curation. Allele origin: germline.
Comment: Missense variant in a coldspot region where missense variants are very unlikely to be pathogenic (PMID:31911673).

BRCA2 exon 11 coldspot. Reclassification based on statistical prior probability.